The following is an entry in ClinVar:

NM_152743.4(BRAT1):c.696G>A (p.Trp232Ter)

Gene: BRAT1 (BRCA1 associated ATM activator 1; minus strand). Cytogenetic location: 7p22.3.
Variant type: single nucleotide variant.
Coding change: c.696G>A on transcript NM_152743.4 (MANE Select); coding-DNA position 696, G replaced by A.
Protein change: p.Trp232Ter; replaces tryptophan 232 with a stop codon.
Molecular consequence: nonsense. On other transcripts: non-coding transcript variant (1).
Genome position (GRCh38, 1-based): chr7:2,543,697, C>T on the plus strand (G>A on the coding strand, the complement: BRAT1 is on the minus strand). VCF-style: chr7-2543697-C-T. GRCh37 (hg19) VCF-style: chr7-2583331-C-T.
Other names: c.696G>A, p.Trp232Ter (NM_001350626.2); c.171G>A, p.Trp57Ter (NM_001350627.2); short protein forms W232*, W57*.
Identifiers: ClinVar variation 2572497 (VCV002572497.1), dbSNP rs1372864059, ClinGen allele CA366631963.

ClinVar aggregate classification (germline): Pathogenic (1 of 4 stars; one submission).

Conditions:
Neonatal-onset encephalopathy with rigidity and seizures. Also called: Lethal neonatal spasticity-epileptic encephalopathy syndrome. Identifiers: Orphanet 435845, MedGen C3281029, MONDO:0013784, OMIM 614498.

Allele frequency attached by ClinVar (database versions not stated): gnomAD exomes below 0.00001; TOPMed below 0.00001.
gnomAD v4.1: 1 of 1,576,264 alleles (0.000063%); highest among the groups gnomAD compares: Non-Finnish European, 0.000087%; no homozygotes.

Submission:

3billion
Classification: Pathogenic for Neonatal-onset encephalopathy with rigidity and seizures. Review status: criteria provided, single submitter. Criteria: ACMG Guidelines, 2015. Collection method: clinical testing. Allele origin: unknown. Affected: yes. Observed: 1 homozygote.
Comment: The variant is observed at an extremely low frequency in the gnomAD v2.1.1 dataset (total allele frequency: <0.001%). The variant is predicted to result in a loss or disruption of normal protein function through nonsense-mediated decay (NMD) or protein truncation. Multiple pathogenic variants are reported downstream of the variant. Therefore, this variant is classified as Pathogenic according to the recommendation of ACMG/AMP guideline.